The following is an entry in ClinVar:

NM_001110219.3(GJB6):c.-295-208G>A

Gene: GJB6 (gap junction protein beta 6; minus strand). Cytogenetic location: 13q12.11.
Variant type: single nucleotide variant.
Coding change: c.-295-208G>A on transcript NM_001110219.3 (MANE Select); 208 bases into the intron before 295 bases upstream of the start codon, G replaced by A.
Molecular consequence: intron variant.
Genome position (GRCh38, 1-based): chr13:20,231,015, C>T on the plus strand (G>A on the coding strand, the complement: GJB6 is on the minus strand). VCF-style: chr13-20231015-C-T. GRCh37 (hg19) VCF-style: chr13-20805154-C-T.
Other names: c.-186+1179G>A (NM_001110221.3); c.-186+367G>A (NM_001370091.1, NM_001110220.3); c.-301-202G>A (NM_001370090.1); c.-295-208G>A (NM_001370092.1).
Identifiers: ClinVar variation 881242 (VCV000881242.6), dbSNP rs142299925, ClinGen allele CA246459630.

ClinVar aggregate classification (germline): Likely benign (1 of 4 stars; one submission).

Conditions:
Hidrotic ectodermal dysplasia syndrome (GJB6). Also called: Ectodermal dysplasia 2, hidrotic; Autosomal dominant hidrotic ectodermal dysplasia; Clouston syndrome; Clouston's hidrotic ectodermal dysplasia; Hidrotic ectodermal dysplasia; CLOUSTON HIDROTIC ECTODERMAL DYSPLASIA. Identifiers: Orphanet 189, MedGen C0162361, MONDO:0007510, OMIM 129500.

Allele frequency attached by ClinVar (database versions not stated): 1000 Genomes Project 30x 0.00172; 1000 Genomes Project 0.00220; TOPMed 0.00175.

Submission:

Illumina Laboratory Services, Illumina
Classification: Likely benign for Hidrotic ectodermal dysplasia syndrome. Last evaluated: 2018-01-13. Review status: criteria provided, single submitter. Criteria: ICSL Variant Classification Criteria 13 December 2019. Collection method: clinical testing. Allele origin: germline.
Comment: This variant was observed in the ICSL laboratory as part of a predisposition screen in an ostensibly healthy population. It had not been previously curated by ICSL or reported in the Human Gene Mutation Database (HGMD: prior to June 1st, 2018), and was therefore a candidate for classification through an automated scoring system. Utilizing variant allele frequency, disease prevalence and penetrance estimates, and inheritance mode, an automated score was calculated to assess if this variant is too frequent to cause the disease. Based on the score and internal cut-off values, a variant classified as likely benign is not then subjected to further curation. The score for this variant resulted in a classification of likely benign for this disease.